The following is an entry in ClinVar:

ClinVar aggregate classification (germline): Pathogenic (1 of 4 stars; one submission).

Conditions:
Maple syrup urine disease (MSUD). Identifiers: Orphanet 511, MedGen C0024776, MeSH D008375, MONDO:0009563. Disease mechanism: loss of function.

Submission:

Labcorp Genetics (formerly Invitae), Labcorp
Classification: Pathogenic for Maple syrup urine disease. Last evaluated: 2023-04-06. Review status: criteria provided, single submitter. Criteria: Invitae Variant Classification Sherloc (09022015). Collection method: clinical testing. Allele origin: unknown.
Comment: For these reasons, this variant has been classified as Pathogenic. This variant has not been reported in the literature in individuals affected with BCKDHB-related conditions. This variant is a gross deletion of the genomic region encompassing exon(s) 7-8 of the BCKDHB gene. This deletion is out-of-frame, and is expected to create a premature termination codon and result in an absent or disrupted protein product. Loss-of-function variants in BCKDHB are known to be pathogenic (PMID: 16786533, 22593002).

Literature cited by the submitters: PubMed 16786533; PubMed 22593002.

NC_000006.11:g.(?_80910631)_(80912949_?)del

Gene: BCKDHB (branched chain keto acid dehydrogenase E1 subunit beta; plus strand). Cytogenetic location: 6q14.1.
Variant type: Deletion.
Identifiers: ClinVar variation 3245954 (VCV003245954.1).